The following is an entry in ClinVar:

ClinVar aggregate classification (germline): Uncertain significance. Review status: criteria provided, multiple submitters, no conflicts (2 of 4 stars). 2 submissions from 2 submitters: Uncertain significance (2). Last evaluated 2026-05-14.

Conditions:
Hereditary cancer-predisposing syndrome. Also called: Tumor predisposition; Neoplastic Syndromes, Hereditary; Hereditary Cancer Syndrome; Hereditary neoplastic syndrome. Identifiers: Orphanet 140162, MedGen C0027672, MeSH D009386, MONDO:0015356.
Tuberous sclerosis 1 (TSC1). Identifiers: Orphanet 805, MedGen C1854465, MONDO:0008612, OMIM 191100.

Submissions (2):

Ambry Genetics
Classification: Uncertain significance for Hereditary cancer-predisposing syndrome. Last evaluated: 2026-05-14. Review status: criteria provided, single submitter. Criteria: Ambry Variant Classification Scheme 2023. Collection method: clinical testing. Allele origin: germline.
Comment: The p.P358L variant (also known as c.1073C>T), located in coding exon 9 of the TSC1 gene, results from a C to T substitution at nucleotide position 1073. The proline at codon 358 is replaced by leucine, an amino acid with similar properties. This amino acid position is highly conserved in available vertebrate species. In addition, this alteration is predicted to be deleterious by in silico analysis. Based on the available evidence, the clinical significance of this variant remains unclear.

Labcorp Genetics (formerly Invitae), Labcorp
Classification: Uncertain significance for Tuberous sclerosis 1. Last evaluated: 2021-10-12. Review status: criteria provided, single submitter. Criteria: Invitae Variant Classification Sherloc (09022015). Collection method: clinical testing. Allele origin: germline.
Comment: In summary, the available evidence is currently insufficient to determine the role of this variant in disease. Therefore, it has been classified as a Variant of Uncertain Significance. This variant has not been reported in the literature in individuals affected with TSC1-related conditions. Algorithms developed to predict the effect of missense changes on protein structure and function are either unavailable or do not agree on the potential impact of this missense change (SIFT: "Deleterious"; PolyPhen-2: "Probably Damaging"; Align-GVGD: "Class C0"). This sequence change replaces proline with leucine at codon 358 of the TSC1 protein (p.Pro358Leu). The proline residue is highly conserved and there is a moderate physicochemical difference between proline and leucine. This variant is not present in population databases (ExAC no frequency).

NM_000368.5(TSC1):c.1073C>T (p.Pro358Leu)

Gene: TSC1 (TSC complex subunit 1; minus strand). Cytogenetic location: 9q34.13.
Variant type: single nucleotide variant.
Coding change: c.1073C>T on transcript NM_000368.5 (MANE Select); coding-DNA position 1073, C replaced by T.
Protein change: p.Pro358Leu; replaces proline 358 with leucine.
Molecular consequence: missense variant.
Genome position (GRCh38, 1-based): chr9:132,911,070, G>A on the plus strand (C>T on the coding strand, the complement: TSC1 is on the minus strand). VCF-style: chr9-132911070-G-A. GRCh37 (hg19) VCF-style: chr9-135786457-G-A.
Other names: c.1073C>T, p.Pro358Leu (NM_001162426.2); c.920C>T, p.Pro307Leu (NM_001162427.2); c.710C>T, p.Pro237Leu (NM_001362177.2); short protein forms P358L, P237L, P307L.
Identifiers: ClinVar variation 1420507 (VCV001420507.10), dbSNP rs2131961651, ClinGen allele CA375367667.